The following is an entry in ClinVar:

NM_144573.4(NEXN):c.148T>C (p.Ser50Pro)

Gene: NEXN (nexilin F-actin binding protein; plus strand). Cytogenetic location: 1p31.1.
Variant type: single nucleotide variant.
Coding change: c.148T>C on transcript NM_144573.4 (MANE Select); coding-DNA position 148, T replaced by C.
Protein change: p.Ser50Pro; replaces serine 50 with proline.
Molecular consequence: missense variant. On other transcripts: intron variant (1).
Genome position (GRCh38, 1-based): chr1:77,917,686, T>C. VCF-style: chr1-77917686-T-C. GRCh37 (hg19) VCF-style: chr1-78383371-T-C.
Other names: c.28-274T>C (NM_001172309.2); short protein forms S50P.
Identifiers: ClinVar variation 3878961 (VCV003878961.1).

ClinVar aggregate classification (germline): Uncertain significance (1 of 4 stars; one submission).

Conditions:
Cardiovascular phenotype. Identifiers: MedGen CN230736.

gnomAD v4.1: 1 of 1,612,318 alleles (0.000062%); highest among the groups gnomAD compares: Non-Finnish European, 0.000085%; no homozygotes.

Submission:

Ambry Genetics
Classification: Uncertain significance for Cardiovascular phenotype. Last evaluated: 2025-01-13. Review status: criteria provided, single submitter. Criteria: Ambry Variant Classification Scheme 2023. Collection method: clinical testing. Allele origin: germline.
Comment: The p.S50P variant (also known as c.148T>C), located in coding exon 2 of the NEXN gene, results from a T to C substitution at nucleotide position 148. The serine at codon 50 is replaced by proline, an amino acid with similar properties. This amino acid position is conserved. In addition, the in silico prediction for this alteration is inconclusive. Based on the available evidence, the clinical significance of this variant remains unclear.